The following is an entry in ClinVar:

NC_000005.9:g.(?_42565977)_(42566066_?)del

Gene: GHR (growth hormone receptor; plus strand). Cytogenetic location: 5p12.
Variant type: Deletion.
Identifiers: ClinVar variation 3246439 (VCV003246439.1).

ClinVar aggregate classification (germline): Pathogenic (1 of 4 stars; one submission).

Submission:

Labcorp Genetics (formerly Invitae), Labcorp
Classification: Pathogenic. Last evaluated: 2023-03-17. Review status: criteria provided, single submitter. Criteria: Invitae Variant Classification Sherloc (09022015). Collection method: clinical testing. Allele origin: unknown.
Comment: For these reasons, this variant has been classified as Pathogenic. This variant has not been reported in the literature in individuals affected with GHR-related conditions. This variant is a gross deletion of the genomic region encompassing exon(s) 2 of the GHR gene, which includes the initiator codon. This deletion extends beyond the assayed region for this gene and therefore may encompass additional genes. It is expected to result in an absent or disrupted protein product. Loss-of-function variants in GHR are known to be pathogenic (PMID: 1999489, 8488849).

Literature cited by the submitters: PubMed 1999489; PubMed 8488849.